The following is an entry in ClinVar:

ClinVar aggregate classification (germline): Uncertain significance. Review status: criteria provided, multiple submitters, no conflicts (2 of 4 stars). 4 submissions from 4 submitters: Uncertain significance (3). 1 of the submissions does not count toward it. Last evaluated 2025-02-13.

Conditions:
Inborn genetic diseases. Identifiers: MedGen C0950123, MeSH D030342.
TH-deficient dopa-responsive dystonia. Also called: Tyrosine Hydroxylase-Deficient Dopa-Responsive Dystonia; DYT-TH; Segawa syndrome, autosomal recessive. Identifiers: Orphanet 101150, MedGen C2673535, MONDO:0011551, OMIM 605407.

Allele frequency attached by ClinVar (database versions not stated): gnomAD 0.00004 and 0.00005; TOPMed 0.00002.

Submissions (4):

Ambry Genetics
Classification: Uncertain significance for Inborn genetic diseases. Last evaluated: 2025-02-13. Review status: criteria provided, single submitter. Criteria: Ambry Variant Classification Scheme 2023. Collection method: clinical testing. Allele origin: germline.

Labcorp Genetics (formerly Invitae), Labcorp
Classification: Uncertain significance for TH-deficient dopa-responsive dystonia. Last evaluated: 2024-06-17. Review status: criteria provided, single submitter. Criteria: Invitae Variant Classification Sherloc (09022015). Collection method: clinical testing. Allele origin: germline.
Comment: This sequence change replaces alanine, which is neutral and non-polar, with glycine, which is neutral and non-polar, at codon 348 of the TH protein (p.Ala348Gly). This variant is present in population databases (rs370710158, gnomAD 0.03%). This variant has not been reported in the literature in individuals affected with TH-related conditions. ClinVar contains an entry for this variant (Variation ID: 649400). Algorithms developed to predict the effect of missense changes on protein structure and function output the following: SIFT: "Not Available"; PolyPhen-2: "Benign"; Align-GVGD: "Not Available". The glycine amino acid residue is found in multiple mammalian species, which suggests that this missense change does not adversely affect protein function. In summary, the available evidence is currently insufficient to determine the role of this variant in disease. Therefore, it has been classified as a Variant of Uncertain Significance.

Breakthrough Genomics
Classification: Uncertain significance. Review status: criteria provided, single submitter. Criteria: ACMG Guidelines, 2015. Collection method: not provided. Allele origin: germline. Inheritance: Autosomal recessive inheritance. Affected: yes.

Natera, Inc.
Classification: Uncertain significance for Autosomal recessive Segawa syndrome. Last evaluated: 2020-09-16. Review status: no assertion criteria provided. Collection method: clinical testing. Allele origin: germline. Not counted in ClinVar's aggregate classification.

NM_000360.4(TH):c.950C>G (p.Ala317Gly)

Gene: TH (tyrosine hydroxylase; minus strand). Cytogenetic location: 11p15.5.
Variant type: single nucleotide variant.
Coding change: c.950C>G on transcript NM_000360.4 (MANE Select); coding-DNA position 950, C replaced by G.
Protein change: p.Ala317Gly; replaces alanine 317 with glycine.
Molecular consequence: missense variant.
Genome position (GRCh38, 1-based): chr11:2,166,660, G>C on the plus strand (C>G on the coding strand, the complement: TH is on the minus strand). VCF-style: chr11-2166660-G-C. GRCh37 (hg19) VCF-style: chr11-2187890-G-C.
Other names: c.1043C>G, p.Ala348Gly (NM_199292.3); c.1031C>G, p.Ala344Gly (NM_199293.3); short protein forms A344G, A317G, A348G.
Identifiers: ClinVar variation 649400 (VCV000649400.8), dbSNP rs370710158, ClinGen allele CA5818447.